The following is an entry in ClinVar:

GRCh37/hg19 5q35.2(chr5:176483840-176588195)x1

Genes: FGFR4 (fibroblast growth factor receptor 4; plus strand), NSD1 (nuclear receptor binding SET domain protein 1; plus strand), ZNF346 (zinc finger protein 346; plus strand). Cytogenetic location: 5q35.2.
Variant type: copy number loss.
Change: copy number 1 (one copy instead of two) of chr5:176,483,840-176,588,195 (104.4 kb, GRCh37 coordinates, 1-based), cytogenetic band 5q35.2.
Identifiers: ClinVar variation 2685189 (VCV002685189.1).

ClinVar aggregate classification (germline): Pathogenic (1 of 4 stars; one submission).

Submission:

Quest Diagnostics Nichols Institute San Juan Capistrano
Classification: Pathogenic. Last evaluated: 2023-02-17. Review status: criteria provided, single submitter. Criteria: ACMG/ClinGen CNV Guidelines, 2019. Collection method: clinical testing. Allele origin: unknown.
Comment: This loss involves three protein-coding genes. Haploinsufficiency of NSD1 is associated with autosomal dominant Sotos syndrome (OMIM 117550, GeneReviews, Douglas 2005, Hoglund 2003, Rehm 2015). While there is one similar copy number loss of this region in the general populations of the Database of Genomic Variants, Sotos syndrome has been noted to demonstrate highly variable expressivity (GeneReviews). Therefore, based on current medical literature, this copy number variant (CNV) is classified as pathogenic. References: Douglas et al., J Med Genet. 2005 Sep;42(9):e56. PMID: 16140999 Hoglund et al., J Med Genet. 2003 Jan;40(1):51-4. PMID: 12525543 GeneReviews: [Internet]. Seattle (WA): University of Washington, Seattle; 1993. 2004 Dec 17 [updated 2022 Dec 1]. Rehm et al., N Engl J Med. 2015 Jun 4;372(23):2235-42. PMID: 26014595 HGNC:14234